The following is an entry in ClinVar:

ClinVar aggregate classification (germline): Likely benign (1 of 4 stars; one submission).

gnomAD v4.1: 125 of 1,613,984 alleles (0.0077%); highest among the groups gnomAD compares: Non-Finnish European, 0.01%; no homozygotes.

Submission:

CeGaT Center for Human Genetics Tuebingen
Classification: Likely benign. Last evaluated: 2025-02-01. Review status: criteria provided, single submitter. Criteria: CeGaT Center For Human Genetics Tuebingen Variant Classification Criteria Version 2. Collection method: clinical testing. Allele origin: germline. Affected: yes. Observed: 1 variant allele.
Comment: ADAMTS19: BP4, BP7

NM_133638.6(ADAMTS19):c.3219A>G (p.Arg1073=)

Gene: ADAMTS19 (ADAM metallopeptidase with thrombospondin type 1 motif 19; plus strand). Cytogenetic location: 5q23.3.
Variant type: single nucleotide variant.
Coding change: c.3219A>G on transcript NM_133638.6 (MANE Select); coding-DNA position 3219, A replaced by G.
Protein change: p.Arg1073=; no amino-acid change (arginine 1073 retained).
Molecular consequence: synonymous variant.
Genome position (GRCh38, 1-based): chr5:129,704,298, A>G. VCF-style: chr5-129704298-A-G. GRCh37 (hg19) VCF-style: chr5-129039991-A-G.
Identifiers: ClinVar variation 3771238 (VCV003771238.13).